The following is an entry in ClinVar:

NM_000123.4(ERCC5):c.2508A>G (p.Gln836=)

Genes: BIVM-ERCC5 (BIVM-ERCC5 readthrough; plus strand), ERCC5 (ERCC excision repair 5, endonuclease; plus strand), LOC126861834 (BRD4-independent group 4 enhancer GRCh37_chr13:103518038-103519237; plus strand). Cytogenetic location: 13q33.1.
Variant type: single nucleotide variant.
Coding change: c.2508A>G on transcript NM_000123.4 (MANE Select); coding-DNA position 2508, A replaced by G.
Protein change: p.Gln836=; no amino-acid change (glutamine 836 retained).
Molecular consequence: synonymous variant.
Genome position (GRCh38, 1-based): chr13:102,866,820, A>G. VCF-style: chr13-102866820-A-G. GRCh37 (hg19) VCF-style: chr13-103519170-A-G.
Other names: c.3870A>G, p.Gln1290= (NM_001204425.2).
Identifiers: ClinVar variation 4821770 (VCV004821770.4).

ClinVar aggregate classification (germline): Likely benign (1 of 4 stars; one submission).

gnomAD v4.1: 2 of 1,612,544 alleles (0.00012%); highest among the groups gnomAD compares: Non-Finnish European, 0.00017%; no homozygotes.

Submission:

CeGaT Center for Human Genetics Tuebingen
Classification: Likely benign. Last evaluated: 2026-03-01. Review status: criteria provided, single submitter. Criteria: CeGaT Center For Human Genetics Tuebingen Variant Classification Criteria Version 2. Collection method: clinical testing. Allele origin: germline. Affected: yes. Observed: 1 variant allele.
Comment: ERCC5: BP4, BP7